The following is an entry in ClinVar:

ClinVar aggregate classification (germline): Benign/Likely benign. Review status: criteria provided, multiple submitters, no conflicts (2 of 4 stars). 5 submissions from 5 submitters: Benign (4); Likely benign (1). Last evaluated 2026-01-28.

Conditions:
Autosomal recessive nonsyndromic hearing loss 9. Also called: AUDITORY NEUROPATHY, AUTOSOMAL RECESSIVE, 1, TEMPERATURE-SENSITIVE; NEUROSENSORY NONSYNDROMIC RECESSIVE DEAFNESS 9; Deafness, autosomal recessive 9; OTOF-Related Hearing Loss. Identifiers: Orphanet 90636, MedGen C1832828, MONDO:0010986, OMIM 601071.

Allele frequency attached by ClinVar (database versions not stated): ESP Exome Variant Server 0.00038; gnomAD exomes 0.00084 and 0.00144; TOPMed 0.00098; ExAC 0.00136; 1000 Genomes Project 30x 0.00234; 1000 Genomes Project 0.00280.
gnomAD v4.1: 1,347 of 1,613,656 alleles (0.083%); highest among the groups gnomAD compares: East Asian, 2.6%; 22 homozygotes.

Submissions (5):

Labcorp Genetics (formerly Invitae), Labcorp
Classification: Benign. Last evaluated: 2026-01-28. Review status: criteria provided, single submitter. Criteria: Invitae Variant Classification Sherloc (09022015). Collection method: clinical testing. Allele origin: germline.

Fulgent Genetics
Classification: Benign for Autosomal recessive nonsyndromic hearing loss 9. Last evaluated: 2022-04-29. Review status: criteria provided, single submitter. Criteria: ACMG Guidelines, 2015. Collection method: clinical testing. Allele origin: unknown.

GeneDx
Classification: Benign. Last evaluated: 2018-06-14. Review status: criteria provided, single submitter. Criteria: GeneDx Variant Classification Process June 2021. Collection method: clinical testing. Allele origin: germline. Affected: yes.
Comment: This variant is associated with the following publications: (PMID: 21935370, 22575033, 24053799, 28335750, 22906306, 26346818, 30245029, 33095980)

Illumina Laboratory Services, Illumina
Classification: Likely benign for Autosomal recessive nonsyndromic hearing loss 9. Last evaluated: 2017-04-27. Review status: criteria provided, single submitter. Criteria: ICSL Variant Classification Criteria 13 December 2019. Collection method: clinical testing. Allele origin: germline.
Comment: This variant was observed as part of a predisposition screen in an ostensibly healthy population. A literature search was performed for the gene, cDNA change, and amino acid change (where applicable). Publications were found based on this search. The evidence from the literature, in combination with allele frequency data from public databases where available, was sufficient to determine this variant is unlikely to cause disease. Therefore, this variant is classified as likely benign.

Laboratory for Molecular Medicine, Mass General Brigham Personalized Medicine
Classification: Benign. Last evaluated: 2014-08-11. Review status: criteria provided, single submitter. Criteria: LMM Criteria. Collection method: clinical testing. Allele origin: germline. Observed: 6 variant alleles.
Comment: Arg1676Cys in exon 40 of OTOF: This variant has been reported in two individuals with hearing loss (Isawa 2013, Wang 2011) but it is not expected to have clinic al significance because it has been seen in 1.6% (9/572) of Asian chromosomes by the 1000 Genomes Project (dbSNP rs139767460), with the frequency in Japanese ch romosomes in particular being 3.4% (6/178).

Literature cited by the submitters: PubMed 24053799 (cited by Illumina Laboratory Services, Illumina and Laboratory for Molecular Medicine, Mass General Brigham Personalized Medicine); PubMed 21935370 (cited by Illumina Laboratory Services, Illumina and Laboratory for Molecular Medicine, Mass General Brigham Personalized Medicine); PubMed 22575033 (cited by Illumina Laboratory Services, Illumina).

NM_194248.3(OTOF):c.5026C>T (p.Arg1676Cys)

Genes: OTOF (otoferlin; minus strand), LOC112840921 (BRD4-independent group 4 enhancer GRCh37_chr2:26685720-26686919; plus strand). Cytogenetic location: 2p23.3.
Variant type: single nucleotide variant.
Coding change: c.5026C>T on transcript NM_194248.3 (MANE Select); coding-DNA position 5026, C replaced by T.
Protein change: p.Arg1676Cys; replaces arginine 1676 with cysteine.
Molecular consequence: missense variant.
Genome position (GRCh38, 1-based): chr2:26,464,041, G>A on the plus strand (C>T on the coding strand, the complement: OTOF is on the minus strand). VCF-style: chr2-26464041-G-A. GRCh37 (hg19) VCF-style: chr2-26686909-G-A.
Other names: c.5026C>T, p.Arg1676Cys (NM_001287489.2); c.2725C>T, p.Arg909Cys (NM_004802.4, NM_194323.3); c.2956C>T, p.Arg986Cys (NM_194322.3); short protein forms R1676C, R909C, R986C.
Identifiers: ClinVar variation 178504 (VCV000178504.20), dbSNP rs139767460, ClinGen allele CA182453.